The following is an entry in ClinVar:

ClinVar aggregate classification (germline): Uncertain significance (1 of 4 stars; one submission).

Conditions:
Familial hemiplegic migraine. Identifiers: MedGen C0338484, MONDO:0000700.

Allele frequency attached by ClinVar (database versions not stated): gnomAD exomes below 0.00001.
gnomAD v4.1: 9 of 1,614,086 alleles (0.00056%); highest among the groups gnomAD compares: African/African-American, 0.004%; no homozygotes.

Submission:

Labcorp Genetics (formerly Invitae), Labcorp
Classification: Uncertain significance for Familial hemiplegic migraine. Last evaluated: 2024-12-17. Review status: criteria provided, single submitter. Criteria: Invitae Variant Classification Sherloc (09022015). Collection method: clinical testing. Allele origin: germline.
Comment: This sequence change falls in intron 13 of the ATP1A2 gene. It does not directly change the encoded amino acid sequence of the ATP1A2 protein. It affects a nucleotide within the consensus splice site. This variant is not present in population databases (gnomAD no frequency). This variant has been observed in individual(s) with ATP1A2-related conditions (PMID: 36480001). ClinVar contains an entry for this variant (Variation ID: 406193). Variants that disrupt the consensus splice site are a relatively common cause of aberrant splicing (PMID: 17576681, 9536098). Algorithms developed to predict the effect of sequence changes on RNA splicing suggest that this variant may disrupt the consensus splice site. In summary, the available evidence is currently insufficient to determine the role of this variant in disease. Therefore, it has been classified as a Variant of Uncertain Significance.

Literature cited by the submitters: PubMed 36480001; PubMed 17576681; PubMed 9536098.

NM_000702.4(ATP1A2):c.1827+3A>G

Gene: ATP1A2 (ATPase Na+/K+ transporting subunit alpha 2; plus strand). Cytogenetic location: 1q23.2.
Variant type: single nucleotide variant.
Coding change: c.1827+3A>G on transcript NM_000702.4 (MANE Select); 3 bases into the intron after coding-DNA position 1827, A replaced by G.
Molecular consequence: intron variant.
Genome position (GRCh38, 1-based): chr1:160,130,600, A>G. VCF-style: chr1-160130600-A-G. GRCh37 (hg19) VCF-style: chr1-160100390-A-G.
Identifiers: ClinVar variation 406193 (VCV000406193.8), dbSNP rs377238291, ClinGen allele CA16609902.